The following is an entry in ClinVar:

ClinVar aggregate classification (germline): Pathogenic. Review status: criteria provided, multiple submitters, no conflicts (2 of 4 stars). 2 submissions from 2 submitters: Pathogenic (2). Last evaluated 2024-09-30.

Conditions:
Neurofibromatosis, type 1 (NF1). Also called: VON RECKLINGHAUSEN DISEASE; NEUROFIBROMATOSIS, TYPE I, SOMATIC; Peripheral type neurofibromatosis; Neurofibromatosis, type I. Identifiers: Orphanet 636, MedGen C0027831, MONDO:0018975, OMIM 162200. Disease mechanism: loss of function.

Submissions (2):

GeneDx
Classification: Pathogenic. Last evaluated: 2024-09-30. Review status: criteria provided, single submitter. Criteria: GeneDx Variant Classification Process June 2021. Collection method: clinical testing. Allele origin: germline. Affected: yes.
Comment: Canonical splice site variant predicted to result in a null allele in a gene for which loss of function is a known mechanism of disease; Not observed at significant frequency in large population cohorts (gnomAD); This variant is associated with the following publications: (PMID: 26740943)

Labcorp Genetics (formerly Invitae), Labcorp
Classification: Pathogenic for Neurofibromatosis, type 1. Last evaluated: 2024-03-17. Review status: criteria provided, single submitter. Criteria: Invitae Variant Classification Sherloc (09022015). Collection method: clinical testing. Allele origin: germline.
Comment: This sequence change affects a donor splice site in intron 53 of the NF1 gene. It is expected to disrupt RNA splicing. Variants that disrupt the donor or acceptor splice site typically lead to a loss of protein function (PMID: 16199547), and loss-of-function variants in NF1 are known to be pathogenic (PMID: 10712197, 23913538). This variant is not present in population databases (gnomAD no frequency). Disruption of this splice site has been observed in individual(s) with neurofibromatosis type 1 (PMID: 10712197, 26740943). Algorithms developed to predict the effect of sequence changes on RNA splicing suggest that this variant may disrupt the consensus splice site. For these reasons, this variant has been classified as Pathogenic.

Literature cited by the submitters: PubMed 16199547 (cited by Labcorp Genetics (formerly Invitae), Labcorp); PubMed 10712197 (cited by Labcorp Genetics (formerly Invitae), Labcorp); PubMed 23913538 (cited by Labcorp Genetics (formerly Invitae), Labcorp); PubMed 26740943 (cited by Labcorp Genetics (formerly Invitae), Labcorp).

NM_001042492.3(NF1):c.7970+1G>T

Gene: NF1 (neurofibromin 1; plus strand). Cytogenetic location: 17q11.2.
Variant type: single nucleotide variant.
Coding change: c.7970+1G>T on transcript NM_001042492.3 (MANE Select); the canonical splice donor site of the intron after coding-DNA position 7970, G replaced by T.
Molecular consequence: splice donor variant.
Genome position (GRCh38, 1-based): chr17:31,357,370, G>T. VCF-style: chr17-31357370-G-T. GRCh37 (hg19) VCF-style: chr17-29684388-G-T.
Other names: c.7907+1G>T (NM_000267.4).
Identifiers: ClinVar variation 3722701 (VCV003722701.3).